The following is an entry in ClinVar:

NM_001379210.1(SLC25A26):c.287C>G (p.Ser96Cys)

Gene: SLC25A26 (solute carrier family 25 member 26; plus strand). Cytogenetic location: 3p14.1.
Variant type: single nucleotide variant.
Coding change: c.287C>G on transcript NM_001379210.1 (MANE Select); coding-DNA position 287, C replaced by G.
Protein change: p.Ser96Cys; replaces serine 96 with cysteine.
Molecular consequence: missense variant. On other transcripts: non-coding transcript variant (15).
Genome position (GRCh38, 1-based): chr3:66,243,299, C>G. VCF-style: chr3-66243299-C-G. GRCh37 (hg19) VCF-style: chr3-66293723-C-G.
Other names: c.287C>G, p.Ser96Cys (NM_001009937.1, NM_001400705.1, NM_001400707.1 and 1 more transcripts); c.23C>G, p.Ser8Cys (NM_001164796.1, NM_001350993.1, NM_001400709.1 and 2 more transcripts); short protein forms S8C, S96C.
Identifiers: ClinVar variation 1723103 (VCV001723103.2), dbSNP rs782311010, ClinGen allele CA2483650.

ClinVar aggregate classification (germline): Uncertain significance (1 of 4 stars; one submission).

Allele frequency attached by ClinVar (database versions not stated): ExAC 0.00001; TOPMed 0.00001.
gnomAD v4.1: 4 of 1,595,716 alleles (0.00025%); highest among the groups gnomAD compares: South Asian, 0.0022%; no homozygotes.

Submission:

GeneDx
Classification: Uncertain significance. Last evaluated: 2022-05-06. Review status: criteria provided, single submitter. Criteria: GeneDx Variant Classification Process June 2021. Collection method: clinical testing. Allele origin: germline. Affected: yes.
Comment: Not observed at significant frequency in large population cohorts (gnomAD); In silico analysis supports that this missense variant has a deleterious effect on protein structure/function; Has not been previously published as pathogenic or benign to our knowledge; Variants in candidate genes are classified as variants of uncertain significance in accordance with ACMG guidelines (Richards et al., 2015)